The following is an entry in ClinVar:

ClinVar aggregate classification (germline): Uncertain significance. Review status: criteria provided, multiple submitters, no conflicts (2 of 4 stars). 2 submissions from 2 submitters: Uncertain significance (2). Last evaluated 2021-08-11.

gnomAD v4.1: 1 of 1,601,612 alleles (0.000062%); highest among the groups gnomAD compares: Non-Finnish European, 0.000085%; no homozygotes.

Submissions (2):

Labcorp Genetics (formerly Invitae), Labcorp
Classification: Uncertain significance. Last evaluated: 2021-08-11. Review status: criteria provided, single submitter. Criteria: Invitae Variant Classification Sherloc (09022015). Collection method: clinical testing. Allele origin: germline.
Comment: This sequence change replaces aspartic acid with glycine at codon 297 of the SLC4A1 protein (p.Asp297Gly). The aspartic acid residue is weakly conserved and there is a moderate physicochemical difference between aspartic acid and glycine. This variant is not present in population databases (ExAC no frequency). This variant has not been reported in the literature in individuals affected with SLC4A1-related conditions. ClinVar contains an entry for this variant (Variation ID: 994157). Algorithms developed to predict the effect of missense changes on protein structure and function (SIFT, PolyPhen-2, Align-GVGD) all suggest that this variant is likely to be tolerated. Algorithms developed to predict the effect of sequence changes on RNA splicing suggest that this variant may create or strengthen a splice site. In summary, the available evidence is currently insufficient to determine the role of this variant in disease. Therefore, it has been classified as a Variant of Uncertain Significance.

ARUP Laboratories, Molecular Genetics and Genomics, ARUP Laboratories
Classification: Uncertain significance. Last evaluated: 2019-11-06. Review status: criteria provided, single submitter. Criteria: ARUP Molecular Germline Variant Investigation Process. Collection method: clinical testing. Allele origin: germline.

NM_000342.4(SLC4A1):c.890A>G (p.Asp297Gly)

Gene: SLC4A1 (solute carrier family 4 member 1 (Diego blood group); minus strand). Cytogenetic location: 17q21.31.
Variant type: single nucleotide variant.
Coding change: c.890A>G on transcript NM_000342.4 (MANE Select); coding-DNA position 890, A replaced by G.
Protein change: p.Asp297Gly; replaces aspartic acid 297 with glycine.
Molecular consequence: missense variant.
Genome position (GRCh38, 1-based): chr17:44,258,610, T>C on the plus strand (A>G on the coding strand, the complement: SLC4A1 is on the minus strand). VCF-style: chr17-44258610-T-C. GRCh37 (hg19) VCF-style: chr17-42335978-T-C.
Other names: short protein forms D297G.
Identifiers: ClinVar variation 994157 (VCV000994157.14), dbSNP rs2047412306, ClinGen allele CA399788951.